The following is an entry in ClinVar:

NM_004360.5(CDH1):c.66C>T (p.Cys22=)

Gene: CDH1 (cadherin 1; plus strand). Cytogenetic location: 16q22.1.
Variant type: single nucleotide variant.
Coding change: c.66C>T on transcript NM_004360.5 (MANE Select); coding-DNA position 66, C replaced by T.
Protein change: p.Cys22=; no amino-acid change (cysteine 22 retained).
Molecular consequence: synonymous variant. On other transcripts: 5 prime UTR variant (2).
Genome position (GRCh38, 1-based): chr16:68,738,314, C>T. VCF-style: chr16-68738314-C-T. GRCh37 (hg19) VCF-style: chr16-68772217-C-T.
Other names: c.66C>T (LRG_301t1); c.66C>T, p.Cys22= (NM_001317184.2); c.-1550C>T (NM_001317185.2); c.-1754C>T (NM_001317186.2).
Identifiers: ClinVar variation 232158 (VCV000232158.19), dbSNP rs865838543, ClinGen allele CA10580067.

ClinVar aggregate classification (germline): Benign/Likely benign. Review status: criteria provided, multiple submitters, no conflicts (2 of 4 stars). 4 submissions from 4 submitters: Benign (1); Likely benign (3). Last evaluated 2025-05-05.

Conditions:
Hereditary cancer-predisposing syndrome. Also called: Hereditary Cancer Syndrome; Neoplastic Syndromes, Hereditary; Tumor predisposition; Hereditary neoplastic syndrome. Identifiers: Orphanet 140162, MedGen C0027672, MeSH D009386, MONDO:0015356.
Hereditary diffuse gastric adenocarcinoma (HDGC). Also called: DIFFUSE GASTRIC AND LOBULAR BREAST CANCER SYNDROME. Identifiers: Orphanet 26106, MedGen C1708349, MONDO:0007648, OMIM 137215.

Allele frequency attached by ClinVar (database versions not stated): gnomAD exomes below 0.00001 and 0.00001.
gnomAD v4.1: 1 of 1,550,642 alleles (0.000064%); highest among the groups gnomAD compares: Admixed American, 0.002%; no homozygotes.

Submissions (4):

Labcorp Genetics (formerly Invitae), Labcorp
Classification: Likely benign for Hereditary diffuse gastric adenocarcinoma. Last evaluated: 2025-05-05. Review status: criteria provided, single submitter. Criteria: Invitae Variant Classification Sherloc (09022015). Collection method: clinical testing. Allele origin: germline.

Myriad Genetics, Inc.
Classification: Benign for Hereditary diffuse gastric adenocarcinoma. Last evaluated: 2024-09-11. Review status: criteria provided, single submitter. Criteria: Myriad Autosomal Dominant, Autosomal Recessive and X-Linked Classification Criteria (2023). Collection method: clinical testing. Allele origin: unknown.
Comment: This variant is considered benign. This variant is a silent/synonymous amino acid change and it is not expected to impact splicing.

Color Diagnostics, LLC DBA Color Health
Classification: Likely benign for Hereditary cancer-predisposing syndrome. Last evaluated: 2017-03-03. Review status: criteria provided, single submitter. Criteria: ACMG Guidelines, 2015. Collection method: clinical testing. Allele origin: germline.

Ambry Genetics
Classification: Likely benign for Hereditary cancer-predisposing syndrome. Last evaluated: 2015-06-02. Review status: criteria provided, single submitter. Criteria: Ambry Variant Classification Scheme 2023. Collection method: clinical testing. Allele origin: germline.